The following is an entry in ClinVar:

NM_025265.4(TSEN2):c.-20G>A

Gene: TSEN2 (tRNA splicing endonuclease subunit 2; plus strand). Cytogenetic location: 3p25.2.
Variant type: single nucleotide variant.
Coding change: c.-20G>A on transcript NM_025265.4 (MANE Select); 20 bases upstream of the start codon, G replaced by A.
Molecular consequence: 5 prime UTR variant. On other transcripts: intron variant (5).
Genome position (GRCh38, 1-based): chr3:12,484,878, G>A. VCF-style: chr3-12484878-G-A. GRCh37 (hg19) VCF-style: chr3-12526377-G-A.
Other names: c.-20G>A (NM_001321279.2); c.-18+361G>A (NM_001321278.2, NM_001321277.2, NM_001145393.3 and 1 more transcripts); c.-18+250G>A (NM_001145392.2).
Identifiers: ClinVar variation 343066 (VCV000343066.7), dbSNP rs9871742, ClinGen allele CA10617072.

ClinVar aggregate classification (germline): Likely benign. Review status: criteria provided, multiple submitters, no conflicts (2 of 4 stars). 2 submissions from 2 submitters: Likely benign (2). Last evaluated 2018-04-17.

Conditions:
Pontoneocerebellar hypoplasia. Also called: Pontocerebellar hypoplasia; Non-syndromic pontocerebellar hypoplasia. Identifiers: Orphanet 98523, MedGen C1261175, MONDO:0020135.

Allele frequency attached by ClinVar (database versions not stated): 1000 Genomes Project 0.00260; gnomAD 0.00319 and 0.00345; 1000 Genomes Project 30x 0.00344; TOPMed 0.00351.

Submissions (2):

GeneDx
Classification: Likely benign. Last evaluated: 2018-04-17. Review status: criteria provided, single submitter. Criteria: GeneDx Variant Classification Process June 2021. Collection method: clinical testing. Allele origin: germline. Affected: yes.

Illumina Laboratory Services, Illumina
Classification: Likely benign for Pontoneocerebellar hypoplasia. Last evaluated: 2018-01-12. Review status: criteria provided, single submitter. Criteria: ICSL Variant Classification Criteria 13 December 2019. Collection method: clinical testing. Allele origin: germline.
Comment: This variant was observed in the ICSL laboratory as part of a predisposition screen in an ostensibly healthy population. It had not been previously curated by ICSL or reported in the Human Gene Mutation Database (HGMD: prior to June 1st, 2018), and was therefore a candidate for classification through an automated scoring system. Utilizing variant allele frequency, disease prevalence and penetrance estimates, and inheritance mode, an automated score was calculated to assess if this variant is too frequent to cause the disease. Based on the score and internal cut-off values, a variant classified as likely benign is not then subjected to further curation. The score for this variant resulted in a classification of likely benign for this disease.